The following is an entry in ClinVar:

ClinVar aggregate classification (germline): Conflicting classifications of pathogenicity. Review status: criteria provided, conflicting classifications (1 of 4 stars). 4 submissions from 4 submitters: Uncertain significance (1); Likely benign (3). Last evaluated 2025-12-14.

Conditions:
Shprintzen-Goldberg syndrome (SGS). Also called: CRANIOSYNOSTOSIS WITH ARACHNODACTYLY AND ABDOMINAL HERNIAS; Marfanoid disorder with craniosynostosis type 1; Marfanoid craniosynostosis syndrome; Shprintzen-Goldberg marfanoid syndrome; SHPRINTZEN-GOLDBERG CRANIOSYNOSTOSIS SYNDROME. Identifiers: Orphanet 2462, MedGen C1321551, MONDO:0008426, OMIM 182212.
Familial thoracic aortic aneurysm and aortic dissection (TAAD). Also called: Thoracic aortic aneurysms and dissections. Identifiers: Orphanet 91387, MedGen C4707243, MONDO:0019625.

Allele frequency attached by ClinVar (database versions not stated): gnomAD exomes 0.00002; TOPMed below 0.00001; gnomAD 0.00001.
gnomAD v4.1: 33 of 1,544,010 alleles (0.0021%); highest among the groups gnomAD compares: Non-Finnish European, 0.0027%; 1 homozygote.

Submissions (4):

Labcorp Genetics (formerly Invitae), Labcorp
Classification: Likely benign for Shprintzen-Goldberg syndrome. Last evaluated: 2025-12-14. Review status: criteria provided, single submitter. Criteria: Invitae Variant Classification Sherloc (09022015). Collection method: clinical testing. Allele origin: germline.

Center for Genomics, Ann and Robert H. Lurie Children's Hospital of Chicago
Classification: Uncertain significance for Shprintzen-Goldberg syndrome. Last evaluated: 2021-03-30. Review status: criteria provided, single submitter. Criteria: ACMG Guidelines, 2015. Collection method: clinical testing. Allele origin: germline.
Comment: SKI NM_003036.3 exon 7 p.Ala686Ala (c.2058C>T): This variant has not been reported in the literature but is present in 1/14928 European alleles in the Genome Aggregation Database. Evolutionary conservation and computational predictive tools for this variant are limited or unavailable. Of note, this variant is a silent variant and does not change the amino acid, reducing the probability that this variant is disease causing. In summary, data on this variant is insufficient for disease classification. Therefore, the clinical significance of this variant is uncertain.

GeneDx
Classification: Likely benign. Last evaluated: 2020-10-16. Review status: criteria provided, single submitter. Criteria: GeneDx Variant Classification Process June 2021. Collection method: clinical testing. Allele origin: germline. Affected: yes.

Ambry Genetics
Classification: Likely benign for Familial thoracic aortic aneurysm and aortic dissection. Last evaluated: 2016-07-21. Review status: criteria provided, single submitter. Criteria: Ambry Variant Classification Scheme 2023. Collection method: clinical testing. Allele origin: germline.

NM_003036.4(SKI):c.2058C>T (p.Ala686=)

Gene: SKI (SKI proto-oncogene; plus strand). Cytogenetic location: 1p36.32.
Variant type: single nucleotide variant.
Coding change: c.2058C>T on transcript NM_003036.4 (MANE Select); coding-DNA position 2058, C replaced by T.
Protein change: p.Ala686=; no amino-acid change (alanine 686 retained).
Molecular consequence: synonymous variant.
Genome position (GRCh38, 1-based): chr1:2,306,636, C>T. VCF-style: chr1-2306636-C-T. GRCh37 (hg19) VCF-style: chr1-2238075-C-T.
Identifiers: ClinVar variation 520154 (VCV000520154.22), dbSNP rs1171554207, ClinGen allele CA415458776.
Genomic context (GRCh38, chr1:2,306,636, plus strand): 5'-GATCGAAGACCTGCAGGTGAAGCTGCAGCACGCGGAGGCGGACCGGGAGCAGCTGCGGGC[C>T]GACCTGCTGCGGGAGCGCGAGGCCCGGGAGCACCTGGAGAAGGTGGTGAAGGAGCTGCAG-3'
Protein context (NP_003027.1, residues 676-696): HAEADREQLR[Ala686=]DLLREREARE